The following is an entry in ClinVar:

NM_015466.4(PTPN23):c.3971G>A (p.Arg1324His)

Gene: PTPN23 (protein tyrosine phosphatase non-receptor type 23; plus strand). Cytogenetic location: 3p21.31.
Variant type: single nucleotide variant.
Coding change: c.3971G>A on transcript NM_015466.4 (MANE Select); coding-DNA position 3971, G replaced by A.
Protein change: p.Arg1324His; replaces arginine 1324 with histidine.
Molecular consequence: missense variant.
Genome position (GRCh38, 1-based): chr3:47,411,865, G>A. VCF-style: chr3-47411865-G-A. GRCh37 (hg19) VCF-style: chr3-47453355-G-A.
Other names: c.3593G>A, p.Arg1198His (NM_001304482.2); c.3971G>A (NM_015466.2); short protein forms R1198H, R1324H.
Identifiers: ClinVar variation 1501303 (VCV001501303.6), dbSNP rs770834691, ClinGen allele CA2366415.

ClinVar aggregate classification (germline): Uncertain significance. Review status: criteria provided, multiple submitters, no conflicts (2 of 4 stars). 2 submissions from 2 submitters: Uncertain significance (2). Last evaluated 2024-02-26.

Conditions:
Inborn genetic diseases. Identifiers: MedGen C0950123, MeSH D030342.

Allele frequency attached by ClinVar (database versions not stated): gnomAD exomes 0.00001 and 0.00002; TOPMed 0.00001; ExAC 0.00002.
gnomAD v4.1: 24 of 1,613,042 alleles (0.0015%); highest among the groups gnomAD compares: East Asian, 0.0022%; no homozygotes.

Submissions (2):

Labcorp Genetics (formerly Invitae), Labcorp
Classification: Uncertain significance. Last evaluated: 2024-02-26. Review status: criteria provided, single submitter. Criteria: Invitae Variant Classification Sherloc (09022015). Collection method: clinical testing. Allele origin: germline.
Comment: This sequence change replaces arginine, which is basic and polar, with histidine, which is basic and polar, at codon 1324 of the PTPN23 protein (p.Arg1324His). This variant is present in population databases (rs770834691, gnomAD 0.003%). This variant has not been reported in the literature in individuals affected with PTPN23-related conditions. ClinVar contains an entry for this variant (Variation ID: 1501303). An algorithm developed to predict the effect of missense changes on protein structure and function (PolyPhen-2) suggests that this variant is likely to be disruptive. In summary, the available evidence is currently insufficient to determine the role of this variant in disease. Therefore, it has been classified as a Variant of Uncertain Significance.

Ambry Genetics
Classification: Uncertain significance for Inborn genetic diseases. Last evaluated: 2023-11-13. Review status: criteria provided, single submitter. Criteria: Ambry Variant Classification Scheme 2023. Collection method: clinical testing. Allele origin: germline.